The following is an entry in ClinVar:

NM_006939.4(SOS2):c.1474T>C (p.Phe492Leu)

Gene: SOS2 (SOS Ras/Rho guanine nucleotide exchange factor 2; minus strand). Cytogenetic location: 14q21.3.
Variant type: single nucleotide variant.
Coding change: c.1474T>C on transcript NM_006939.4 (MANE Select); coding-DNA position 1474, T replaced by C.
Protein change: p.Phe492Leu; replaces phenylalanine 492 with leucine.
Molecular consequence: missense variant.
Genome position (GRCh38, 1-based): chr14:50,159,809, A>G on the plus strand (T>C on the coding strand, the complement: SOS2 is on the minus strand). VCF-style: chr14-50159809-A-G. GRCh37 (hg19) VCF-style: chr14-50626527-A-G.
Other names: c.1375T>C, p.Phe459Leu (NM_001411020.1); short protein forms F459L, F492L.
Identifiers: ClinVar variation 2087754 (VCV002087754.4), dbSNP rs2502990241, ClinGen allele CA389645696.

ClinVar aggregate classification (germline): Uncertain significance (1 of 4 stars; one submission).

Conditions:
Noonan syndrome 9 (NS9). Identifiers: Orphanet 648, MedGen C4225282, MONDO:0014691, OMIM 616559.

Submission:

Labcorp Genetics (formerly Invitae), Labcorp
Classification: Uncertain significance for Noonan syndrome 9. Last evaluated: 2022-07-19. Review status: criteria provided, single submitter. Criteria: Invitae Variant Classification Sherloc (09022015). Collection method: clinical testing. Allele origin: germline.
Comment: In summary, the available evidence is currently insufficient to determine the role of this variant in disease. Therefore, it has been classified as a Variant of Uncertain Significance. Algorithms developed to predict the effect of missense changes on protein structure and function (SIFT, PolyPhen-2, Align-GVGD) all suggest that this variant is likely to be tolerated. This variant has not been reported in the literature in individuals affected with SOS2-related conditions. This variant is not present in population databases (gnomAD no frequency). This sequence change replaces phenylalanine, which is neutral and non-polar, with leucine, which is neutral and non-polar, at codon 492 of the SOS2 protein (p.Phe492Leu).